The following is an entry in ClinVar:

NM_000539.3(RHO):c.697-3C>A

Gene: RHO (rhodopsin; plus strand). Cytogenetic location: 3q22.1.
Variant type: single nucleotide variant.
Coding change: c.697-3C>A on transcript NM_000539.3 (MANE Select); 3 bases into the intron before coding-DNA position 697, C replaced by A.
Molecular consequence: intron variant.
Genome position (GRCh38, 1-based): chr3:129,532,530, C>A. VCF-style: chr3-129532530-C-A. GRCh37 (hg19) VCF-style: chr3-129251373-C-A.
Identifiers: ClinVar variation 1313046 (VCV001313046.2), dbSNP rs2108750429, ClinGen allele CA2573052082.
Genomic context (GRCh38, chr3:129,532,530, plus strand): 5'-TGCATCTGCGGCTCCTGCTCCCTGGAGGAGCCATGGTCTGGACCCGGGTCCCGTGTCCTG[C>A]AGGCCGCTGCCCAGCAGCAGGAGTCAGCCACCACACAGAAGGCAGAGAAGGAGGTCACCC-3'

ClinVar aggregate classification (germline): Uncertain significance (1 of 4 stars; one submission).

Submission:

GeneDx
Classification: Uncertain significance. Last evaluated: 2020-07-10. Review status: criteria provided, single submitter. Criteria: GeneDx Variant Classification Process June 2021. Collection method: clinical testing. Allele origin: germline. Affected: yes.
Comment: Not observed in large population cohorts (Lek et al., 2016); In silico analysis supports a deleterious effect on splicing; Has not been previously published as pathogenic or benign to our knowledge